The following is an entry in ClinVar:

NM_177438.3(DICER1):c.5003A>T (p.Asn1668Ile)

Gene: DICER1 (dicer 1, ribonuclease III; minus strand). Cytogenetic location: 14q32.13.
Variant type: single nucleotide variant.
Coding change: c.5003A>T on transcript NM_177438.3 (MANE Select); coding-DNA position 5003, A replaced by T.
Protein change: p.Asn1668Ile; replaces asparagine 1668 with isoleucine.
Molecular consequence: missense variant. On other transcripts: non-coding transcript variant (6).
Genome position (GRCh38, 1-based): chr14:95,095,917, T>A on the plus strand (A>T on the coding strand, the complement: DICER1 is on the minus strand). VCF-style: chr14-95095917-T-A. GRCh37 (hg19) VCF-style: chr14-95562254-T-A.
Other names: c.5003A>T, p.Asn1668Ile (NM_001195573.1, NM_001271282.3, NM_001291628.2 and 13 more transcripts); c.4721A>T, p.Asn1574Ile (NM_001395686.1); c.4598A>T, p.Asn1533Ile (NM_001395687.1, NM_001395688.1, NM_001395689.1 and 2 more transcripts); c.4436A>T, p.Asn1479Ile (NM_001395691.1); c.3320A>T, p.Asn1107Ile (NM_001395697.1); short protein forms N1107I, N1668I, N1574I, N1479I, N1533I.
Identifiers: ClinVar variation 1744727 (VCV001744727.7), dbSNP rs766570470, ClinGen allele CA265897677.

ClinVar aggregate classification (germline): Uncertain significance. Review status: criteria provided, multiple submitters, no conflicts (2 of 4 stars). 2 submissions from 2 submitters: Uncertain significance (2). Last evaluated 2024-06-09.

Conditions:
Hereditary cancer-predisposing syndrome. Also called: Neoplastic Syndromes, Hereditary; Tumor predisposition; Hereditary Cancer Syndrome; Hereditary neoplastic syndrome. Identifiers: Orphanet 140162, MedGen C0027672, MeSH D009386, MONDO:0015356.
DICER1-related tumor predisposition. Also called: DICER1 syndrome; DICER1-related pleuropulmonary blastoma cancer predisposition syndrome. Identifiers: Orphanet 284343, MedGen C3839822, MONDO:0100216.

Submissions (2):

Labcorp Genetics (formerly Invitae), Labcorp
Classification: Uncertain significance for DICER1-related tumor predisposition. Last evaluated: 2024-06-09. Review status: criteria provided, single submitter. Criteria: Invitae Variant Classification Sherloc (09022015). Collection method: clinical testing. Allele origin: germline.
Comment: This sequence change replaces asparagine, which is neutral and polar, with isoleucine, which is neutral and non-polar, at codon 1668 of the DICER1 protein (p.Asn1668Ile). This variant is not present in population databases (gnomAD no frequency). This variant has not been reported in the literature in individuals affected with DICER1-related conditions. ClinVar contains an entry for this variant (Variation ID: 1744727). Advanced modeling of protein sequence and biophysical properties (such as structural, functional, and spatial information, amino acid conservation, physicochemical variation, residue mobility, and thermodynamic stability) performed at Invitae indicates that this missense variant is not expected to disrupt DICER1 protein function with a negative predictive value of 80%. In summary, the available evidence is currently insufficient to determine the role of this variant in disease. Therefore, it has been classified as a Variant of Uncertain Significance.

Ambry Genetics
Classification: Uncertain significance for Hereditary cancer-predisposing syndrome. Last evaluated: 2021-05-22. Review status: criteria provided, single submitter. Criteria: Ambry Variant Classification Scheme 2023. Collection method: clinical testing. Allele origin: germline.
Comment: The p.N1668I variant (also known as c.5003A>T), located in coding exon 22 of the DICER1 gene, results from an A to T substitution at nucleotide position 5003. The asparagine at codon 1668 is replaced by isoleucine, an amino acid with dissimilar properties. This amino acid position is highly conserved in available vertebrate species. In addition, the in silico prediction for this alteration is inconclusive. Since supporting evidence is limited at this time, the clinical significance of this alteration remains unclear.